The following is an entry in ClinVar:

ClinVar aggregate classification (germline): Pathogenic. Review status: criteria provided, single submitter (1 of 4 stars). 2 submissions from 2 submitters: Pathogenic (1). 1 of the submissions does not count toward it. Last evaluated 2025-08-21.

Conditions:
Nephronophthisis 15 (NPHP15). Identifiers: Orphanet 3156, MedGen C3541853, MONDO:0013917, OMIM 614845.

Submissions (2):

Labcorp Genetics (formerly Invitae), Labcorp
Classification: Pathogenic for Nephronophthisis 15. Last evaluated: 2025-08-21. Review status: criteria provided, single submitter. Criteria: Invitae Variant Classification Sherloc (09022015). Collection method: clinical testing. Allele origin: germline.
Comment: This sequence change creates a premature translational stop signal (p.Gln525*) in the CEP164 gene. It is expected to result in an absent or disrupted protein product. Loss-of-function variants in CEP164 are known to be pathogenic (PMID: 22863007, 28125082, 32367404, 34132027, 34499853). This variant is not present in population databases (gnomAD no frequency). This premature translational stop signal has been observed in individual(s) with nephronophthisis-related ciliopathies (PMID: 22863007). ClinVar contains an entry for this variant (Variation ID: 37297). For these reasons, this variant has been classified as Pathogenic.

OMIM
Classification: Pathogenic for NEPHRONOPHTHISIS 15. Last evaluated: 2012-08-03. Review status: no assertion criteria provided. Collection method: literature only. Allele origin: germline. Not counted in ClinVar's aggregate classification.

Literature cited by the submitters: PubMed 22863007 (cited by Labcorp Genetics (formerly Invitae), Labcorp and OMIM); PubMed 28125082 (cited by Labcorp Genetics (formerly Invitae), Labcorp); PubMed 32367404 (cited by Labcorp Genetics (formerly Invitae), Labcorp); PubMed 34132027 (cited by Labcorp Genetics (formerly Invitae), Labcorp); PubMed 34499853 (cited by Labcorp Genetics (formerly Invitae), Labcorp).

NM_014956.5(CEP164):c.1573C>T (p.Gln525Ter)

Gene: CEP164 (centrosomal protein 164; plus strand). Cytogenetic location: 11q23.3.
Variant type: single nucleotide variant.
Coding change: c.1573C>T on transcript NM_014956.5 (MANE Select); coding-DNA position 1573, C replaced by T.
Protein change: p.Gln525Ter; replaces glutamine 525 with a stop codon.
Molecular consequence: nonsense.
Genome position (GRCh38, 1-based): chr11:117,381,864, C>T. VCF-style: chr11-117381864-C-T. GRCh37 (hg19) VCF-style: chr11-117252580-C-T.
Other names: c.1582C>T, p.Gln528Ter (NM_001271933.2); short protein forms Q525*, Q528*.
Identifiers: ClinVar variation 37297 (VCV000037297.5), dbSNP rs387907311, ClinGen allele CA130151.